The following is an entry in ClinVar:

NM_004304.5(ALK):c.1262C>T (p.Ala421Val)

Gene: ALK (ALK receptor tyrosine kinase; minus strand). Cytogenetic location: 2p23.2.
Variant type: single nucleotide variant.
Coding change: c.1262C>T on transcript NM_004304.5 (MANE Select); coding-DNA position 1262, C replaced by T.
Protein change: p.Ala421Val; replaces alanine 421 with valine.
Molecular consequence: missense variant.
Genome position (GRCh38, 1-based): chr2:29,383,752, G>A on the plus strand (C>T on the coding strand, the complement: ALK is on the minus strand). VCF-style: chr2-29383752-G-A. GRCh37 (hg19) VCF-style: chr2-29606618-G-A.
Other names: c.1262C>T (NM_004304.4); short protein forms A421V.
Identifiers: ClinVar variation 1372880 (VCV001372880.7), dbSNP rs1267142388, ClinGen allele CA346585081.

ClinVar aggregate classification (germline): Conflicting classifications of pathogenicity. Review status: criteria provided, conflicting classifications (1 of 4 stars). 2 submissions from 2 submitters: Uncertain significance (1); Likely benign (1). Last evaluated 2025-04-24.

Conditions:
Hereditary cancer-predisposing syndrome. Also called: Hereditary neoplastic syndrome; Hereditary Cancer Syndrome; Neoplastic Syndromes, Hereditary; Tumor predisposition. Identifiers: Orphanet 140162, MedGen C0027672, MeSH D009386, MONDO:0015356.
Neuroblastoma, susceptibility to, 3. Also called: ALK-Related Neuroblastic Tumor Susceptibility. Identifiers: Orphanet 635, MedGen C2751681, MONDO:0013083, OMIM 613014.

Allele frequency attached by ClinVar (database versions not stated): gnomAD exomes below 0.00001; TOPMed 0.00001.
gnomAD v4.1: 2 of 1,614,136 alleles (0.00012%); highest among the groups gnomAD compares: Non-Finnish European, 0.00017%; no homozygotes.

Submissions (2):

Labcorp Genetics (formerly Invitae), Labcorp
Classification: Uncertain significance for Neuroblastoma, susceptibility to, 3. Last evaluated: 2025-04-24. Review status: criteria provided, single submitter. Criteria: Invitae Variant Classification Sherloc (09022015). Collection method: clinical testing. Allele origin: germline.
Comment: This sequence change replaces alanine, which is neutral and non-polar, with valine, which is neutral and non-polar, at codon 421 of the ALK protein (p.Ala421Val). This variant is present in population databases (no rsID available, gnomAD 0.007%). This variant has not been reported in the literature in individuals affected with ALK-related conditions. ClinVar contains an entry for this variant (Variation ID: 1372880). An algorithm developed to predict the effect of missense changes on protein structure and function (PolyPhen-2) suggests that this variant is likely to be disruptive. In summary, the available evidence is currently insufficient to determine the role of this variant in disease. Therefore, it has been classified as a Variant of Uncertain Significance.

Ambry Genetics
Classification: Likely benign for Hereditary cancer-predisposing syndrome. Last evaluated: 2025-01-31. Review status: criteria provided, single submitter. Criteria: Ambry Variant Classification Scheme 2023. Collection method: clinical testing. Allele origin: germline.